The following is an entry in ClinVar:

NM_015443.4(KANSL1):c.2471G>A (p.Arg824Gln)

Gene: KANSL1 (KAT8 regulatory NSL complex subunit 1). Cytogenetic location: 17q21.31.
Variant type: single nucleotide variant.
Coding change: c.2471G>A on transcript NM_015443.4 (MANE Select); coding-DNA position 2471, G replaced by A.
Protein change: p.Arg824Gln; replaces arginine 824 with glutamine.
Molecular consequence: missense variant.
Genome position (GRCh38, 1-based): chr17:46,038,608, C>T on the plus strand (G>A on the coding strand, the complement: KANSL1 is on the minus strand). VCF-style: chr17-46038608-C-T. GRCh37 (hg19) VCF-style: chr17-44115974-C-T.
Other names: c.2471G>A, p.Arg824Gln (NM_001193465.2, NM_001193466.2, NM_001379198.1 and 8 more transcripts); c.2369G>A, p.Arg790Gln (NM_001405859.1, NM_001405860.1, NM_001405861.1 and 1 more transcripts); c.2282G>A, p.Arg761Gln (NM_001405875.1, NM_001405876.1, NM_001405877.1 and 3 more transcripts); c.1205G>A, p.Arg402Gln (NM_001405882.1, NM_001405883.1); c.1016G>A, p.Arg339Gln (NM_001405884.1, NM_001405885.1); short protein forms R402Q, R790Q, R761Q, R824Q, R339Q.
Identifiers: ClinVar variation 3683713 (VCV003683713.2).

ClinVar aggregate classification (germline): Uncertain significance (1 of 4 stars; one submission).

Conditions:
Koolen-de Vries syndrome (KDVS). Identifiers: Orphanet 96169, MedGen C1864871, MONDO:0012496, OMIM 610443.

gnomAD v4.1: 1 of 1,614,116 alleles (0.000062%); highest among the groups gnomAD compares: Non-Finnish European, 0.000085%; no homozygotes.

Submission:

Labcorp Genetics (formerly Invitae), Labcorp
Classification: Uncertain significance for Koolen-de Vries syndrome. Last evaluated: 2025-02-10. Review status: criteria provided, single submitter. Criteria: Invitae Variant Classification Sherloc (09022015). Collection method: clinical testing. Allele origin: germline.
Comment: This sequence change replaces arginine, which is basic and polar, with glutamine, which is neutral and polar, at codon 824 of the KANSL1 protein (p.Arg824Gln). This variant is not present in population databases (gnomAD no frequency). This variant has not been reported in the literature in individuals affected with KANSL1-related conditions. This missense change has been observed in at least one individual who was not affected with KANSL1-related conditions (internal data). Invitae Evidence Modeling of protein sequence and biophysical properties (such as structural, functional, and spatial information, amino acid conservation, physicochemical variation, residue mobility, and thermodynamic stability) has been performed for this missense variant. However, the output from this modeling did not meet the statistical confidence thresholds required to predict the impact of this variant on KANSL1 protein function. In summary, the available evidence is currently insufficient to determine the role of this variant in disease. Therefore, it has been classified as a Variant of Uncertain Significance.